The following is an entry in ClinVar:

ClinVar aggregate classification (germline): Likely benign. Review status: criteria provided, multiple submitters, no conflicts (2 of 4 stars). 3 submissions from 3 submitters: Likely benign (2). 1 of the submissions does not count toward it. Last evaluated 2025-09-11.

Conditions:
Inborn genetic diseases. Identifiers: MedGen C0950123, MeSH D030342.
Rubinstein-Taybi syndrome due to EP300 haploinsufficiency. Also called: EP300-Related Rubinstein-Taybi Syndrome; RUBINSTEIN-TAYBI SYNDROME 2. Identifiers: Orphanet 353284, Orphanet 783, MedGen C3150941, MONDO:0013364, OMIM 613684.
EP300-related disorder. Also called: EP300-related condition; EP300-related disorders.

Allele frequency attached by ClinVar (database versions not stated): TOPMed 0.00002; gnomAD 0.00010.
gnomAD v4.1: 35 of 1,613,968 alleles (0.0022%); highest among the groups gnomAD compares: Admixed American, 0.055%; no homozygotes.

Submissions (3):

Ambry Genetics
Classification: Likely benign for Inborn genetic diseases. Last evaluated: 2025-09-11. Review status: criteria provided, single submitter. Criteria: Ambry Variant Classification Scheme 2023. Collection method: clinical testing. Allele origin: germline.

Labcorp Genetics (formerly Invitae), Labcorp
Classification: Likely benign for Rubinstein-Taybi syndrome due to EP300 haploinsufficiency. Last evaluated: 2025-02-06. Review status: criteria provided, single submitter. Criteria: Invitae Variant Classification Sherloc (09022015). Collection method: clinical testing. Allele origin: germline.

PreventionGenetics, part of Exact Sciences
Classification: Likely benign for EP300-related condition. Last evaluated: 2022-03-10. Review status: no assertion criteria provided. Collection method: clinical testing. Allele origin: germline. Not counted in ClinVar's aggregate classification.
Comment: This variant is classified as likely benign based on ACMG/AMP sequence variant interpretation guidelines (Richards et al. 2015 PMID: 25741868, with internal and published modifications).

NM_001429.4(EP300):c.6311C>G (p.Pro2104Arg)

Gene: EP300 (EP300 lysine acetyltransferase; plus strand). Cytogenetic location: 22q13.2.
Variant type: single nucleotide variant.
Coding change: c.6311C>G on transcript NM_001429.4 (MANE Select); coding-DNA position 6311, C replaced by G.
Protein change: p.Pro2104Arg; replaces proline 2104 with arginine.
Molecular consequence: missense variant.
Genome position (GRCh38, 1-based): chr22:41,178,022, C>G. VCF-style: chr22-41178022-C-G. GRCh37 (hg19) VCF-style: chr22-41574026-C-G.
Other names: c.6233C>G, p.Pro2078Arg (NM_001362843.2); short protein forms P2078R, P2104R.
Identifiers: ClinVar variation 800269 (VCV000800269.15), dbSNP rs138584705, ClinGen allele CA10253821.